The following is an entry in ClinVar:

NM_000132.4(F8):c.6623A>G (p.Gln2208Arg)

Gene: F8 (coagulation factor VIII; minus strand). Cytogenetic location: Xq28.
Variant type: single nucleotide variant.
Coding change: c.6623A>G on transcript NM_000132.4 (MANE Select); coding-DNA position 6623, A replaced by G.
Protein change: p.Gln2208Arg; replaces glutamine 2208 with arginine.
Molecular consequence: missense variant.
Genome position (GRCh38, 1-based): chrX:154,861,818, T>C on the plus strand (A>G on the coding strand, the complement: F8 is on the minus strand). VCF-style: chrX-154861818-T-C. GRCh37 (hg19) VCF-style: chrX-154090093-T-C.
Other names: NM_000132.4(F8):c.6623A>G; p.Gln2208Arg; c.218A>G, p.Gln73Arg (NM_019863.3); short protein forms Q2208R, Q73R.
Identifiers: ClinVar variation 368117 (VCV000368117.15), dbSNP rs782198570, ClinGen allele CA10567784.

ClinVar aggregate classification (germline): Likely pathogenic. Review status: reviewed by expert panel (3 of 4 stars). 7 submissions from 7 submitters: Likely pathogenic (1). 6 of the submissions do not count toward it. Last evaluated 2025-08-15.

Conditions:
Hereditary factor VIII deficiency disease (HEMA). Also called: HEMOPHILIA, CLASSIC; Hemophilia A; AUTOSOMAL HEMOPHILIA A; Hemophilia A, congenital; HEM A; Factor 8 deficiency, congenital. Identifiers: Orphanet 98878, MedGen C0019069, MONDO:0010602, OMIM 306700.
F8-related disorder. Also called: F8-related condition.

Allele frequency attached by ClinVar (database versions not stated): ExAC 0.00001; gnomAD 0.00001; gnomAD exomes 0.00001 and 0.00002; TOPMed 0.00002.
gnomAD v4.1: 12 of 1,208,893 alleles (0.00099%); highest among the groups gnomAD compares: Middle Eastern, 0.023%; no homozygotes.

Submissions (7):

ClinGen Coagulation Factor Deficiency Variant Curation Expert Panel, Clingen
Classification: Likely pathogenic for Hereditary factor VIII deficiency disease. Last evaluated: 2025-08-15. Review status: reviewed by expert panel. Criteria: ClinGen CoagFactor ACMG Specifications F8 V1.0.0. Collection method: curation. Allele origin: germline. Inheritance: X-linked inheritance.
Comment: The NM_000132.4(F8):c.6623A>G (p.Gln2208Arg) is a missense variant. The computational predictor REVEL gives a score of 0.741, which is above the threshold of 0.6, evidence that correlates with impact to F8 function (PP3_Supporting). This variant has been reported in 4 probands with mild hemophilia A This variant was reported in 2 patients with mild hemophilia A with FVIII:C = 23% and FVIII:C=34%. VWD was excluded. (PMID: 26879396; PMID 27734074). This variant was reported in 1 patient with mild hemophilia A with FVIII:C = 23%. VWD was ruled out (PMID: 27734074). VWD is excluded. Another missense variant c.6622C>G (p.Gln2208Glu) is present at the same codon and has been classified as pathogenic by CFD VCEP. In summary, based on the evidence available at this time, the clinical significance of this variant is likely pathogenic. ACMG/AMP criteria applied, as specified by the Coagulation Factor Deficiency Variant Curation Expert Panel for F8: PM5, PP3, PS4_Strong.

Laboratorio de Genetica e Diagnostico Molecular, Hospital Israelita Albert Einstein
Classification: Likely pathogenic. Last evaluated: 2026-09-23. Review status: criteria provided, single submitter. Criteria: ACMG Guidelines, 2015. Collection method: clinical testing. Allele origin: germline. Affected: yes. Not counted in ClinVar's aggregate classification.
Comment: ACMG classification criteria: PS4, PM2, PP3. Classification updated following expert panel recommendations (DOI: 10.5281/zenodo.21433948).

Women's Health and Genetics/Laboratory Corporation of America, LabCorp
Classification: Pathogenic for Hereditary factor VIII deficiency disease. Last evaluated: 2026-03-10. Review status: criteria provided, single submitter. Criteria: LabCorp Variant Classification Summary - May 2015. Collection method: clinical testing. Allele origin: germline. Not counted in ClinVar's aggregate classification.
Comment: Variant summary: F8 c.6623A>G (p.Gln2208Arg) results in a conservative amino acid change in the encoded protein sequence. Algorithms developed to predict the effect of missense changes on protein structure and function are either unavailable or do not agree on the potential impact of this missense change. The variant allele was found at a frequency of 2.2e-05 in 183405 control chromosomes. c.6623A>G has been observed in individuals affected with Factor VIII Deficiency (Hemophilia A) (e.g. Fernandez-Lopez_2005, Markoff_2009, Silva Pinto_2012, Bastida_2016, Bastida_2017). These data indicate that the variant is likely to be associated with disease. To our knowledge, no experimental evidence demonstrating an impact on protein function has been reported. A different variant affecting the same codon has been classified as pathogenic (c.6622C>G, p.Gln2208Pro), supporting the critical relevance of codon 2208 to F8 protein function. The following publications have been ascertained in the context of this evaluation (PMID: 26879396, 27734074, 15921397, 19473423, 21645180). ClinVar contains an entry for this variant (Variation ID: 368117). Based on the evidence outlined above, the variant was classified as pathogenic.

Dasa
Classification: Likely pathogenic. Last evaluated: 2025-09-17. Review status: criteria provided, single submitter. Criteria: DASA Assertion Criteria. Collection method: clinical testing. Allele origin: germline. Not counted in ClinVar's aggregate classification.
Comment: NM_000132.4(F8):c.6623A>G (p.Gln2208Arg) is a missense variant that results in the substitution of glutamine with arginine. The affected residue or protein region has prior evidence supporting clinical relevance. This variant has been recurrently observed in individuals with F8-related disorders (PMID: 21645180; PMID: 29296726). Also, this variant is rare in population databases. Computational evidence supports a deleterious effect. Based on the currently available evidence, this variant is classified as likely pathogenic.

Variantyx, Inc.
Classification: Likely pathogenic for Hereditary factor VIII deficiency disease. Last evaluated: 2025-03-21. Review status: criteria provided, single submitter. Criteria: Variantyx Assertion Criteria 2022. Collection method: clinical testing. Allele origin: maternal. Not counted in ClinVar's aggregate classification.
Comment: This is a nonsynonymous variant in the F8 gene (OMIM: 300841). Pathogenic variants in this gene have been associated with X-linked hemophilia A. This variant has been reported in several unrelated affected individuals (PMID: 29296726, 26879396, 21645180) (PS4). Alternate amino acid change at this position p.Gln2208Glu have been previously reported in similarly affected individuals, which suggests that this residue is biologically important (PMID 16769589) (PM5_Supporting). Multiple computational algorithms predict a deleterious effect for this variant (REVEL score: 0.741) (PP3). This variant has a 0.0022% maximum allele frequency in non-founder control populations. Based on the current evidence, this variant is classified as likely pathogenic for X-linked hemophilia A.

PreventionGenetics, part of Exact Sciences
Classification: Pathogenic for F8-related condition. Last evaluated: 2023-07-11. Review status: criteria provided, single submitter. Criteria: ACMG Guidelines, 2015. Collection method: clinical testing. Allele origin: germline. Not counted in ClinVar's aggregate classification.
Comment: The F8 c.6623A>G variant is predicted to result in the amino acid substitution p.Gln2208Arg. This variant also described using legacy nomenclature as p.Gln2189Arg; has been reported in multiple individuals with mild to moderate hemophilia A (Fernandez-Lopez et al. 2005. PubMed ID: 15921397; Markoff et al. 2009. PubMed ID: 19473423. Table S1; Silva Pinto et al. 2012. PubMed ID: 21645180; Bastida et al. 2016. PubMed ID: 26879396; F8 database). Different missense variants in the same codon (c.6622C>G, p.Gln2208Glu; c.6623A>C, p.Gln2208Pro) have been reported in individuals with mild to moderate hemophilia A (Cid et al. 2007. PubMed ID: 17973853; Silva Pinto et al. 2012. PubMed ID: 21645180; F8 database) suggesting that substitution of amino acid residue p.Gln2208 is not tolerated. This variant is reported in 0.0043% of alleles in individuals of European (Non-Finnish) descent in gnomAD. This variant is interpreted as pathogenic.

Mendelics
Classification: Likely pathogenic for Hereditary factor VIII deficiency disease. Last evaluated: 2019-05-28. Review status: criteria provided, single submitter. Criteria: Mendelics Assertion Criteria 2017. Collection method: clinical testing. Allele origin: unknown. Not counted in ClinVar's aggregate classification.

Literature cited by the submitters: PubMed 27734074 (cited by Women's Health and Genetics/Laboratory Corporation of America, LabCorp); PubMed 19473423 (cited by Women's Health and Genetics/Laboratory Corporation of America, LabCorp); PubMed 15921397 (cited by Women's Health and Genetics/Laboratory Corporation of America, LabCorp); PubMed 21645180 (cited by Women's Health and Genetics/Laboratory Corporation of America, LabCorp and Dasa); PubMed 26879396 (cited by Women's Health and Genetics/Laboratory Corporation of America, LabCorp); PubMed 29296726 (cited by Dasa).